The following is an entry in ClinVar:

NM_017654.4(SAMD9):c.1118G>C (p.Arg373Thr)

Gene: SAMD9 (sterile alpha motif domain containing 9; minus strand). Cytogenetic location: 7q21.2.
Variant type: single nucleotide variant.
Coding change: c.1118G>C on transcript NM_017654.4 (MANE Select); coding-DNA position 1118, G replaced by C.
Protein change: p.Arg373Thr; replaces arginine 373 with threonine.
Molecular consequence: missense variant.
Genome position (GRCh38, 1-based): chr7:93,104,980, C>G on the plus strand (G>C on the coding strand, the complement: SAMD9 is on the minus strand). VCF-style: chr7-93104980-C-G. GRCh37 (hg19) VCF-style: chr7-92734293-C-G.
Other names: c.1118G>C, p.Arg373Thr (NM_001193307.2); short protein forms R373T.
Identifiers: ClinVar variation 4159054 (VCV004159054.1).

ClinVar aggregate classification (germline): Uncertain significance (1 of 4 stars; one submission).

Conditions:
Inborn genetic diseases. Identifiers: MedGen C0950123, MeSH D030342.

Submission:

Ambry Genetics
Classification: Uncertain significance for Inborn genetic diseases. Last evaluated: 2025-06-30. Review status: criteria provided, single submitter. Criteria: Ambry Variant Classification Scheme 2023. Collection method: clinical testing. Allele origin: germline.
Comment: The p.R373T variant (also known as c.1118G>C), located in coding exon 1 of the SAMD9 gene, results from a G to C substitution at nucleotide position 1118. The arginine at codon 373 is replaced by threonine, an amino acid with similar properties. This amino acid position is conserved. In addition, this alteration is predicted to be tolerated by in silico analysis. Based on the available evidence, the clinical significance of this variant remains unclear.